The following is an entry in ClinVar:

NM_177972.3(TUB):c.836G>A (p.Gly279Asp)

Genes: RIC3 (RIC3 acetylcholine receptor chaperone; minus strand), TUB (TUB bipartite transcription factor; plus strand). Cytogenetic location: 11p15.4.
Variant type: single nucleotide variant.
Coding change: c.836G>A on transcript NM_177972.3 (MANE Select); coding-DNA position 836, G replaced by A.
Protein change: p.Gly279Asp; replaces glycine 279 with aspartic acid.
Molecular consequence: missense variant.
Genome position (GRCh38, 1-based): chr11:8,097,376, G>A. VCF-style: chr11-8097376-G-A. GRCh37 (hg19) VCF-style: chr11-8118923-G-A.
Other names: c.854G>A, p.Gly285Asp (NM_001440538.1, NM_001440539.1); c.686G>A, p.Gly229Asp (NM_001440540.1, NM_001440542.1); c.668G>A, p.Gly223Asp (NM_001440541.1); c.1001G>A, p.Gly334Asp (NM_003320.5); short protein forms G229D, G279D, G223D, G334D, G285D.
Identifiers: ClinVar variation 4998923 (VCV004998923.1).

ClinVar aggregate classification (germline): Uncertain significance (1 of 4 stars; one submission).

Conditions:
TUB-related disorder. Also called: TUB-related condition.

gnomAD v4.1: 1 of 1,614,206 alleles (0.000062%); highest among the groups gnomAD compares: Non-Finnish European, 0.000085%; no homozygotes.

Submission:

PreventionGenetics, part of Exact Sciences
Classification: Uncertain significance for TUB-related condition. Last evaluated: 2024-10-10. Review status: criteria provided, single submitter. Criteria: ACMG Guidelines, 2015. Collection method: clinical testing. Allele origin: germline.
Comment: The TUB c.1001G>A variant is predicted to result in the amino acid substitution p.Gly334Asp. To our knowledge, this variant has not been reported in the literature or in a large population database (gnomAD), indicating this variant is rare. At this time, the clinical significance of this variant is uncertain due to the absence of conclusive functional and genetic evidence.